The following is an entry in ClinVar:

NM_001130823.3(DNMT1):c.230G>C (p.Gly77Ala)

Gene: DNMT1 (DNA methyltransferase 1; minus strand). Cytogenetic location: 19p13.2.
Variant type: single nucleotide variant.
Coding change: c.230G>C on transcript NM_001130823.3 (MANE Select); coding-DNA position 230, G replaced by C.
Protein change: p.Gly77Ala; replaces glycine 77 with alanine.
Molecular consequence: missense variant. On other transcripts: intron variant (1).
Genome position (GRCh38, 1-based): chr19:10,180,565, C>G on the plus strand (G>C on the coding strand, the complement: DNMT1 is on the minus strand). VCF-style: chr19-10180565-C-G. GRCh37 (hg19) VCF-style: chr19-10291241-C-G.
Other names: c.230G>C, p.Gly77Ala (NM_001318730.2, NM_001379.4); c.-98-36G>C (NM_001318731.2); short protein forms G77A.
Identifiers: ClinVar variation 2140601 (VCV002140601.4), dbSNP rs984728792, ClinGen allele CA305185046.

ClinVar aggregate classification (germline): Uncertain significance (1 of 4 stars; one submission).

Conditions:
Hereditary sensory neuropathy-deafness-dementia syndrome. Also called: HSN IE; Hereditary sensory neuropathy type IE; NEUROPATHY, HEREDITARY SENSORY, WITH HEARING LOSS AND DEMENTIA; Hereditary Sensory and Autonomic Neuropathy Type 1E (HSAN1E). Identifiers: Orphanet 456318, MedGen C3279885, MONDO:0013584, OMIM 614116.

Allele frequency attached by ClinVar (database versions not stated): gnomAD 0.00001.
gnomAD v4.1: 1 of 1,613,870 alleles (0.000062%); highest among the groups gnomAD compares: Admixed American, 0.0017%; no homozygotes.

Submission:

Labcorp Genetics (formerly Invitae), Labcorp
Classification: Uncertain significance for Hereditary sensory neuropathy-deafness-dementia syndrome. Last evaluated: 2023-04-21. Review status: criteria provided, single submitter. Criteria: Invitae Variant Classification Sherloc (09022015). Collection method: clinical testing. Allele origin: germline.
Comment: This variant is not present in population databases (gnomAD no frequency). This sequence change replaces glycine, which is neutral and non-polar, with alanine, which is neutral and non-polar, at codon 77 of the DNMT1 protein (p.Gly77Ala). This variant has not been reported in the literature in individuals affected with DNMT1-related conditions. ClinVar contains an entry for this variant (Variation ID: 2140601). Advanced modeling of protein sequence and biophysical properties (such as structural, functional, and spatial information, amino acid conservation, physicochemical variation, residue mobility, and thermodynamic stability) performed at Invitae indicates that this missense variant is not expected to disrupt DNMT1 protein function. In summary, the available evidence is currently insufficient to determine the role of this variant in disease. Therefore, it has been classified as a Variant of Uncertain Significance.